The following is an entry in ClinVar:

ClinVar aggregate classification (germline): Pathogenic (1 of 4 stars; one submission).

Submission:

GeneDx
Classification: Pathogenic. Last evaluated: 2025-09-23. Review status: criteria provided, single submitter. Criteria: GeneDx Variant Classification Process June 2021. Collection method: clinical testing. Allele origin: germline. Affected: yes.
Comment: Frameshift variant predicted to result in protein truncation or nonsense mediated decay in a gene for which loss of function is a known mechanism of disease; Not observed at significant frequency in large population cohorts (gnomAD); Has not been previously published as pathogenic or benign to our knowledge

NM_004560.4(ROR2):c.566_569dup (p.Ile191fs)

Gene: ROR2 (receptor tyrosine kinase like orphan receptor 2; minus strand). Cytogenetic location: 9q22.31.
Variant type: Duplication.
Coding change: c.566_569dup on transcript NM_004560.4 (MANE Select); coding-DNA positions 566 to 569, 4 bases duplicated (GGAC; older notation c.566_569dupGGAC).
Protein change: p.Ile191fs; shifts the reading frame from isoleucine 191.
Molecular consequence: frameshift variant.
Genome position (GRCh38, 1-based): chr9:91,737,444-91,737,447, GTCC duplicated on the plus strand (GGAC on the coding strand, the reverse complement: ROR2 is on the minus strand); duplicating any 4 consecutive bases within chr9:91,737,444-91,737,448 gives the same sequence; the c. name uses the placement nearest the transcript's 3' end. VCF-style (leftmost placement, unchanged base first): chr9-91737443-G-GGTCC. GRCh37 (hg19) VCF-style: chr9-94499725-G-GGTCC.
Other names: c.566_569dup, p.Ile191fs (NM_001318204.2); c.566_569dupGGAC (NM_004560.3); c.566_569dup (NM_004560.3); short protein forms I191fs.
Identifiers: ClinVar variation 504160 (VCV000504160.3), dbSNP rs1554754007, ClinGen allele CA658797223.